The following is an entry in ClinVar:

ClinVar aggregate classification (germline): Uncertain significance. Review status: criteria provided, multiple submitters, no conflicts (2 of 4 stars). 2 submissions from 2 submitters: Uncertain significance (2). Last evaluated 2025-02-28.

Conditions:
Inborn genetic diseases. Identifiers: MedGen C0950123, MeSH D030342.
Dyskeratosis congenita, autosomal recessive 5 (DKCB5). Identifiers: MedGen C3554656, MONDO:0014076, OMIM 615190.
Pulmonary fibrosis and/or bone marrow failure, Telomere-related, 3. Also called: PULMONARY FIBROSIS AND/OR BONE MARROW FAILURE SYNDROME, TELOMERE-RELATED, 3. Identifiers: Orphanet 2032, MedGen C4225346, MONDO:0014613, OMIM 616373.

gnomAD v4.1: 1 of 1,611,876 alleles (0.000062%); highest among the groups gnomAD compares: Non-Finnish European, 0.000085%; no homozygotes.

Submissions (2):

Ambry Genetics
Classification: Uncertain significance for Inborn genetic diseases. Last evaluated: 2025-02-28. Review status: criteria provided, single submitter. Criteria: Ambry Variant Classification Scheme 2023. Collection method: clinical testing. Allele origin: germline.
Comment: The p.Q1228H variant (also known as c.3684G>C), located in coding exon 33 of the RTEL1 gene, results from a G to C substitution at nucleotide position 3684. The glutamine at codon 1228 is replaced by histidine, an amino acid with highly similar properties. This amino acid position is conserved. In addition, this alteration is predicted to be tolerated by in silico analysis. Based on the available evidence, the clinical significance of this variant remains unclear.

Labcorp Genetics (formerly Invitae), Labcorp
Classification: Uncertain significance for Dyskeratosis congenita, autosomal recessive 5; Pulmonary fibrosis and/or bone marrow failure, Telomere-related, 3. Last evaluated: 2023-06-15. Review status: criteria provided, single submitter. Criteria: Invitae Variant Classification Sherloc (09022015). Collection method: clinical testing. Allele origin: germline.
Comment: In summary, the available evidence is currently insufficient to determine the role of this variant in disease. Therefore, it has been classified as a Variant of Uncertain Significance. An algorithm developed to predict the effect of missense changes on protein structure and function (PolyPhen-2) suggests that this variant is likely to be tolerated. This variant has not been reported in the literature in individuals affected with RTEL1-related conditions. This variant is not present in population databases (gnomAD no frequency). This sequence change replaces glutamine, which is neutral and polar, with histidine, which is basic and polar, at codon 1228 of the RTEL1 protein (p.Gln1228His).

NM_001283009.2(RTEL1):c.3684G>C (p.Gln1228His)

Genes: RTEL1 (regulator of telomere elongation helicase 1; plus strand), RTEL1-TNFRSF6B (RTEL1-TNFRSF6B readthrough (NMD candidate); plus strand). Cytogenetic location: 20q13.33.
Variant type: single nucleotide variant.
Coding change: c.3684G>C on transcript NM_001283009.2 (MANE Select); coding-DNA position 3684, G replaced by C.
Protein change: p.Gln1228His; replaces glutamine 1228 with histidine.
Molecular consequence: missense variant. On other transcripts: non-coding transcript variant (1), intron variant (3).
Genome position (GRCh38, 1-based): chr20:63,695,512, G>C. VCF-style: chr20-63695512-G-C. GRCh37 (hg19) VCF-style: chr20-62326865-G-C.
Other names: c.2983+32G>C (NM_001283010.1); c.3724+32G>C (NM_032957.5); c.3652+32G>C (NM_016434.4); short protein forms Q1228H.
Identifiers: ClinVar variation 2926070 (VCV002926070.4), dbSNP rs1329071018, ClinGen allele CA409686503.